The following is an entry in ClinVar:

ClinVar aggregate classification (germline): Uncertain significance (1 of 4 stars; one submission).

Submission:

Labcorp Genetics (formerly Invitae), Labcorp
Classification: Uncertain significance. Last evaluated: 2025-07-20. Review status: criteria provided, single submitter. Criteria: Invitae Variant Classification Sherloc (09022015). Collection method: clinical testing. Allele origin: germline.
Comment: This sequence change falls in intron 18 of the COMP gene. It does not directly change the encoded amino acid sequence of the COMP protein. It affects a nucleotide within the consensus splice site. This variant is not present in population databases (gnomAD no frequency). This variant has not been reported in the literature in individuals affected with COMP-related conditions. Variants that disrupt the consensus splice site are a relatively common cause of aberrant splicing (PMID: 17576681, 9536098). Algorithms developed to predict the effect of sequence changes on RNA splicing suggest that this variant may disrupt the consensus splice site. In summary, the available evidence is currently insufficient to determine the role of this variant in disease. Therefore, it has been classified as a Variant of Uncertain Significance.

Literature cited by the submitters: PubMed 17576681; PubMed 9536098.

NM_000095.3(COMP):c.2228-3C>A

Gene: COMP (cartilage oligomeric matrix protein; minus strand). Cytogenetic location: 19p13.11.
Variant type: single nucleotide variant.
Coding change: c.2228-3C>A on transcript NM_000095.3 (MANE Select); 3 bases into the intron before coding-DNA position 2228, C replaced by A.
Molecular consequence: intron variant.
Genome position (GRCh38, 1-based): chr19:18,782,964, G>T on the plus strand (C>A on the coding strand, the complement: COMP is on the minus strand). VCF-style: chr19-18782964-G-T. GRCh37 (hg19) VCF-style: chr19-18893774-G-T.
Identifiers: ClinVar variation 4723575 (VCV004723575.1).